The following is an entry in ClinVar:

NM_198578.4(LRRK2):c.5875C>A (p.Leu1959Ile)

Gene: LRRK2 (leucine rich repeat kinase 2; plus strand). Cytogenetic location: 12q12.
Variant type: single nucleotide variant.
Coding change: c.5875C>A on transcript NM_198578.4 (MANE Select); coding-DNA position 5875, C replaced by A.
Protein change: p.Leu1959Ile; replaces leucine 1959 with isoleucine.
Molecular consequence: missense variant.
Genome position (GRCh38, 1-based): chr12:40,335,084, C>A. VCF-style: chr12-40335084-C-A. GRCh37 (hg19) VCF-style: chr12-40728886-C-A.
Other names: short protein forms L1959I.
Identifiers: ClinVar variation 2887162 (VCV002887162.3), dbSNP rs2499930666, ClinGen allele CA384402237.
Genomic context (GRCh38, chr12:40,335,084, plus strand): 5'-GGGATTCGTCCCCGGATGTTGGTGATGGAGTTAGCCTCCAAGGGTTCCTTGGATCGCCTG[C>A]TTCAGCAGGACAAAGCCAGCCTCACTAGAACCCTACAGCACAGGATTGCACTCCACGTAG-3'
Protein context (NP_940980.4, residues 1949-1969): LASKGSLDRL[Leu1959Ile]QQDKASLTRT

ClinVar aggregate classification (germline): Uncertain significance (1 of 4 stars; one submission).

Conditions:
Autosomal dominant Parkinson disease 8. Also called: Parkinson disease 8, susceptibility to; LRRK2-Related Parkinson Disease; Parkinson disease 8. Identifiers: Orphanet 411602, MedGen C1846862, MONDO:0011764, OMIM 607060.

gnomAD v4.1: 2 of 1,614,088 alleles (0.00012%); highest among the groups gnomAD compares: Non-Finnish European, 0.00017%; no homozygotes.

Submission:

Labcorp Genetics (formerly Invitae), Labcorp
Classification: Uncertain significance for Autosomal dominant Parkinson disease 8. Last evaluated: 2025-12-14. Review status: criteria provided, single submitter. Criteria: Invitae Variant Classification Sherloc (09022015). Collection method: clinical testing. Allele origin: germline.
Comment: This sequence change replaces leucine, which is neutral and non-polar, with isoleucine, which is neutral and non-polar, at codon 1959 of the LRRK2 protein (p.Leu1959Ile). This variant is not present in population databases (gnomAD no frequency). This variant has not been reported in the literature in individuals affected with LRRK2-related conditions. ClinVar contains an entry for this variant (Variation ID: 2887162). Invitae Evidence Modeling of protein sequence and biophysical properties (such as structural, functional, and spatial information, amino acid conservation, physicochemical variation, residue mobility, and thermodynamic stability) has been performed for this missense variant. However, the output from this modeling did not meet the statistical confidence thresholds required to predict the impact of this variant on LRRK2 protein function. In summary, the available evidence is currently insufficient to determine the role of this variant in disease. Therefore, it has been classified as a Variant of Uncertain Significance.